The following is an entry in ClinVar:

ClinVar aggregate classification (germline): Uncertain significance (1 of 4 stars; one submission).

Conditions:
Hereditary cancer-predisposing syndrome. Also called: Tumor predisposition; Neoplastic Syndromes, Hereditary; Hereditary Cancer Syndrome; Hereditary neoplastic syndrome. Identifiers: Orphanet 140162, MedGen C0027672, MeSH D009386, MONDO:0015356.

Submission:

Ambry Genetics
Classification: Uncertain significance for Hereditary cancer-predisposing syndrome. Last evaluated: 2025-03-01. Review status: criteria provided, single submitter. Criteria: Ambry Variant Classification Scheme 2023. Collection method: clinical testing. Allele origin: germline.
Comment: The p.I300M variant (also known as c.900T>G), located in coding exon 9 of the MITF gene, results from a T to G substitution at nucleotide position 900. The isoleucine at codon 300 is replaced by methionine, an amino acid with highly similar properties. This amino acid position is conserved. In addition, this alteration is predicted to be tolerated by in silico analysis. Based on the available evidence, the clinical significance of this variant remains unclear.

NM_001354604.2(MITF):c.1221T>G (p.Ile407Met)

Gene: MITF (melanocyte inducing transcription factor; plus strand). Cytogenetic location: 3p13.
Variant type: single nucleotide variant.
Coding change: c.1221T>G on transcript NM_001354604.2 (MANE Select); coding-DNA position 1221, T replaced by G.
Protein change: p.Ile407Met; replaces isoleucine 407 with methionine.
Molecular consequence: missense variant.
Genome position (GRCh38, 1-based): chr3:69,964,888, T>G. VCF-style: chr3-69964888-T-G. GRCh37 (hg19) VCF-style: chr3-70014039-T-G.
Other names: c.1203T>G, p.Ile401Met (NM_198159.3); c.882T>G, p.Ile294Met (NM_198158.3); c.1155T>G, p.Ile385Met (NM_198177.3); c.714T>G, p.Ile238Met (NM_198178.3); c.900T>G, p.Ile300Met (NM_000248.4); c.1047T>G, p.Ile349Met (NM_001184967.2, NM_001354608.2); c.1218T>G, p.Ile406Met (NM_001354605.2); c.1200T>G, p.Ile400Met (NM_001354606.2, NM_006722.3); and 1 more; short protein forms I349M, I400M, I406M, I238M, I407M, I384M, I294M, I300M.
Identifiers: ClinVar variation 3873257 (VCV003873257.1).